The following is an entry in ClinVar:

NM_001031709.3(RNLS):c.939A>T (p.Ala313=)

Gene: RNLS (renalase, FAD dependent amine oxidase; minus strand). Cytogenetic location: 10q23.31.
Variant type: single nucleotide variant.
Coding change: c.939A>T on transcript NM_001031709.3 (MANE Select); coding-DNA position 939, A replaced by T.
Protein change: p.Ala313=; no amino-acid change (alanine 313 retained).
Molecular consequence: synonymous variant. On other transcripts: intron variant (1).
Genome position (GRCh38, 1-based): chr10:88,285,444, T>A on the plus strand (A>T on the coding strand, the complement: RNLS is on the minus strand). VCF-style: chr10-88285444-T-A. GRCh37 (hg19) VCF-style: chr10-90045201-T-A.
Other names: c.877-10412A>T (NM_018363.4).
Identifiers: ClinVar variation 668189 (VCV000668189.1), dbSNP rs756499748, ClinGen allele CA5590323.

ClinVar aggregate classification (germline): Likely benign (1 of 4 stars; one submission).

Allele frequency attached by ClinVar (database versions not stated): TOPMed 0.00001 and 0.00002; gnomAD exomes 0.00003.
gnomAD v4.1: 15 of 1,613,294 alleles (0.00093%); highest among the groups gnomAD compares: Admixed American, 0.025%; no homozygotes.

Submission:

GeneDx
Classification: Likely benign. Last evaluated: 2018-05-01. Review status: criteria provided, single submitter. Criteria: GeneDx Variant Classification (06012015). Collection method: clinical testing. Allele origin: germline. Affected: yes.
Comment: This variant is considered likely benign or benign based on one or more of the following criteria: it is a conservative change, it occurs at a poorly conserved position in the protein, it is predicted to be benign by multiple in silico algorithms, and/or has population frequency not consistent with disease.